The following is an entry in ClinVar:

ClinVar aggregate classification (germline): Uncertain significance (1 of 4 stars; one submission).

Conditions:
Hereditary cancer-predisposing syndrome. Also called: Neoplastic Syndromes, Hereditary; Tumor predisposition; Hereditary neoplastic syndrome; Hereditary Cancer Syndrome. Identifiers: Orphanet 140162, MedGen C0027672, MeSH D009386, MONDO:0015356.

Submission:

Ambry Genetics
Classification: Uncertain significance for Hereditary cancer-predisposing syndrome. Last evaluated: 2026-07-06. Review status: criteria provided, single submitter. Criteria: Ambry Variant Classification Scheme 2023. Collection method: clinical testing. Allele origin: germline.
Comment: The p.S586C variant (also known as c.1757C>G), located in coding exon 12 of the CDH1 gene, results from a C to G substitution at nucleotide position 1757. The serine at codon 586 is replaced by cysteine, an amino acid with dissimilar properties. This amino acid position is conserved. In addition, this alteration is predicted to be tolerated by in silico analysis. Based on the available evidence, the clinical significance of this variant remains unclear.

NM_004360.5(CDH1):c.1757C>G (p.Ser586Cys)

Gene: CDH1 (cadherin 1; plus strand). Cytogenetic location: 16q22.1.
Variant type: single nucleotide variant.
Coding change: c.1757C>G on transcript NM_004360.5 (MANE Select); coding-DNA position 1757, C replaced by G.
Protein change: p.Ser586Cys; replaces serine 586 with cysteine.
Molecular consequence: missense variant. On other transcripts: 5 prime UTR variant (1).
Genome position (GRCh38, 1-based): chr16:68,822,046, C>G. VCF-style: chr16-68822046-C-G. GRCh37 (hg19) VCF-style: chr16-68855949-C-G.
Other names: c.1574C>G, p.Ser525Cys (NM_001317184.2); c.209C>G, p.Ser70Cys (NM_001317185.2); c.-209C>G (NM_001317186.2); short protein forms S525C, S70C, S586C.
Identifiers: ClinVar variation 5033949 (VCV005033949.1).